The following is an entry in ClinVar:

NM_032638.5(GATA2):c.241G>A (p.Gly81Arg)

Gene: GATA2 (GATA binding protein 2; minus strand). Cytogenetic location: 3q21.3.
Variant type: single nucleotide variant.
Coding change: c.241G>A on transcript NM_032638.5 (MANE Select); coding-DNA position 241, G replaced by A.
Protein change: p.Gly81Arg; replaces glycine 81 with arginine.
Molecular consequence: missense variant.
Genome position (GRCh38, 1-based): chr3:128,486,357, C>T on the plus strand (G>A on the coding strand, the complement: GATA2 is on the minus strand). VCF-style: chr3-128486357-C-T. GRCh37 (hg19) VCF-style: chr3-128205200-C-T.
Other names: c.241G>A, p.Gly81Arg (NM_001145661.2, NM_001145662.1); short protein forms G81R.
Identifiers: ClinVar variation 2934251 (VCV002934251.4), dbSNP rs981738420, ClinGen allele CA83372097.

ClinVar aggregate classification (germline): Uncertain significance. Review status: criteria provided, multiple submitters, no conflicts (2 of 4 stars). 2 submissions from 2 submitters: Uncertain significance (2). Last evaluated 2026-03-02.

Conditions:
Monocytopenia with susceptibility to infections. Also called: GATA2 DEFICIENCY; MONOCYTOPENIA AND MYCOBACTERIAL INFECTION SYNDROME; MONOCYTOPENIA WITH SUSCEPTIBILITY TO MYCOBACTERIAL, FUNGAL, AND PAPILLOMAVIRUS INFECTIONS AND MYELODYSPLASIA; COMBINED IMMUNODEFICIENCY WITH SUSCEPTIBILITY TO MYCOBACTERIAL, VIRAL, AND FUNGAL INFECTIONS; Dendritic cell, monocyte, B lymphocyte, and natural killer lymphocyte deficiency; IMMUNODEFICIENCY 21. Identifiers: Orphanet 228423, MedGen C3280030, MONDO:0013607, OMIM 614172.
Deafness-lymphedema-leukemia syndrome. Also called: Lymphedema, primary, with myelodysplasia; Emberger syndrome. Identifiers: Orphanet 3226, MedGen C3279664, MONDO:0013540, OMIM 614038.
Inborn genetic diseases. Identifiers: MedGen C0950123, MeSH D030342.

gnomAD v4.1: 2 of 1,601,160 alleles (0.00012%); highest among the groups gnomAD compares: Admixed American, 0.0017%; no homozygotes.

Submissions (2):

Ambry Genetics
Classification: Uncertain significance for Inborn genetic diseases. Last evaluated: 2026-03-02. Review status: criteria provided, single submitter. Criteria: Ambry Variant Classification Scheme 2023. Collection method: clinical testing. Allele origin: germline.
Comment: The p.G81R variant (also known as c.241G>A), located in coding exon 2 of the GATA2 gene, results from a G to A substitution at nucleotide position 241. The glycine at codon 81 is replaced by arginine, an amino acid with dissimilar properties. This amino acid position is highly conserved in available vertebrate species. In addition, the in silico prediction for this alteration is inconclusive. Based on the available evidence, the clinical significance of this variant remains unclear.

Labcorp Genetics (formerly Invitae), Labcorp
Classification: Uncertain significance for Monocytopenia with susceptibility to infections; Deafness-lymphedema-leukemia syndrome. Last evaluated: 2023-05-05. Review status: criteria provided, single submitter. Criteria: Invitae Variant Classification Sherloc (09022015). Collection method: clinical testing. Allele origin: germline.
Comment: This variant has not been reported in the literature in individuals affected with GATA2-related conditions. The frequency data for this variant in the population databases is considered unreliable, as metrics indicate poor data quality at this position in the gnomAD database. This sequence change replaces glycine, which is neutral and non-polar, with arginine, which is basic and polar, at codon 81 of the GATA2 protein (p.Gly81Arg). In summary, the available evidence is currently insufficient to determine the role of this variant in disease. Therefore, it has been classified as a Variant of Uncertain Significance. Advanced modeling of protein sequence and biophysical properties (such as structural, functional, and spatial information, amino acid conservation, physicochemical variation, residue mobility, and thermodynamic stability) has been performed at Invitae for this missense variant, however the output from this modeling did not meet the statistical confidence thresholds required to predict the impact of this variant on GATA2 protein function.